The following is an entry in ClinVar:

NM_002439.5(MSH3):c.2121T>G (p.Ser707=)

Gene: MSH3 (mutS homolog 3; plus strand). Cytogenetic location: 5q14.1.
Variant type: single nucleotide variant.
Coding change: c.2121T>G on transcript NM_002439.5 (MANE Select); coding-DNA position 2121, T replaced by G.
Protein change: p.Ser707=; no amino-acid change (serine 707 retained).
Molecular consequence: synonymous variant.
Genome position (GRCh38, 1-based): chr5:80,768,871, T>G. VCF-style: chr5-80768871-T-G. GRCh37 (hg19) VCF-style: chr5-80064690-T-G.
Identifiers: ClinVar variation 2826004 (VCV002826004.3), dbSNP rs2546774221, ClinGen allele CA445163069.

ClinVar aggregate classification (germline): Uncertain significance (1 of 4 stars; one submission).

Submission:

Labcorp Genetics (formerly Invitae), Labcorp
Classification: Uncertain significance. Last evaluated: 2023-01-02. Review status: criteria provided, single submitter. Criteria: Invitae Variant Classification Sherloc (09022015). Collection method: clinical testing. Allele origin: germline.
Comment: In summary, the available evidence is currently insufficient to determine the role of this variant in disease. Therefore, it has been classified as a Variant of Uncertain Significance. Algorithms developed to predict the effect of sequence changes on RNA splicing suggest that this variant may disrupt the consensus splice site. This variant has not been reported in the literature in individuals affected with MSH3-related conditions. This variant is not present in population databases (gnomAD no frequency). This sequence change affects codon 707 of the MSH3 mRNA. It is a 'silent' change, meaning that it does not change the encoded amino acid sequence of the MSH3 protein.